The following is an entry in ClinVar:

NM_000521.4(HEXB):c.410G>A (p.Cys137Tyr)

Gene: HEXB (hexosaminidase subunit beta; plus strand). Cytogenetic location: 5q13.3.
Variant type: single nucleotide variant.
Coding change: c.410G>A on transcript NM_000521.4 (MANE Select); coding-DNA position 410, G replaced by A.
Protein change: p.Cys137Tyr; replaces cysteine 137 with tyrosine.
Molecular consequence: missense variant. On other transcripts: 5 prime UTR variant (1).
Genome position (GRCh38, 1-based): chr5:74,689,438, G>A. VCF-style: chr5-74689438-G-A. GRCh37 (hg19) VCF-style: chr5-73985263-G-A.
Other names: c.-266G>A (NM_001292004.2); short protein forms C137Y.
Identifiers: ClinVar variation 643231 (VCV000643231.14), dbSNP rs779453450, ClinGen allele CA3305814.

ClinVar aggregate classification (germline): Conflicting classifications of pathogenicity. Review status: criteria provided, conflicting classifications (1 of 4 stars). 7 submissions from 7 submitters: Pathogenic (4); Likely pathogenic (2); Uncertain significance (1). Last evaluated 2026-08-24.

Conditions:
Sandhoff disease. Also called: GM2-GANGLIOSIDOSIS, TYPE II; HEXOSAMINIDASES A AND B DEFICIENCY; Beta-hexosaminidase-beta-subunit deficiency; GM2 gangliosidosis, type 2; Total hexosaminidase deficiency; Sandhoff-Jatzkewitz-Pilz disease. Identifiers: Orphanet 796, MedGen C0036161, MONDO:0010006, OMIM 268800.

Allele frequency attached by ClinVar (database versions not stated): gnomAD exomes 0.00001 and 0.00002; ExAC 0.00002.
gnomAD v4.1: 13 of 1,613,672 alleles (0.00081%); highest among the groups gnomAD compares: South Asian, 0.014%; no homozygotes.

Submissions (7):

Myriad Genetics, Inc.
Classification: Likely pathogenic for Sandhoff disease. Last evaluated: 2026-08-24. Review status: criteria provided, single submitter. Criteria: Myriad Autosomal Dominant, Autosomal Recessive and X-Linked Classification Criteria (2023). Collection method: clinical testing. Allele origin: unknown.
Comment: NM_000521.3(HEXB):c.410G>A(C137Y) is a missense variant classified as likely pathogenic in the context of Sandhoff disease. C137Y has been observed in cases with relevant disease (PMID: 17015493, 23113155, 34554397). Relevant functional assessments of this variant are not available in the literature. Internal structural analysis of the variant is supportive of pathogenicity. C137Y has been observed in referenced population frequency databases. In summary, NM_000521.3(HEXB):c.410G>A(C137Y) is a missense variant that has internal structural support for pathogenicity and has been observed more frequently in cases with the relevant disease than in healthy populations. Please note: this variant was assessed in the context of healthy population screening.

Palindrome, Gene Kavoshgaran Aria
Classification: Pathogenic for Sandhoff disease. Last evaluated: 2024-06-05. Review status: criteria provided, single submitter. Criteria: ACMG Guidelines, 2015. Collection method: clinical testing. Allele origin: germline. Inheritance: Autosomal recessive inheritance. Affected: yes. Observed: 1 compound heterozygote.

Natera, Inc.
Classification: Likely pathogenic for Sandhoff disease. Last evaluated: 2024-05-30. Review status: criteria provided, single submitter. Criteria: Natera Variant Classification Schema (03/2026). Collection method: clinical testing. Allele origin: germline.
Comment: The c.410G>A variant in HEXB is a missense variant predicted to cause substitution of cysteine to tyrosine at amino acid 137. This variant is rare in the general population with a frequency below the threshold expected for the associated phenotype(s). This variant has been observed in one or more individuals affected with the associated recessive disease, as either homozygous or compound heterozygous with a second variant (PMID: 23113155, 34554397, 17015493). Functional studies show that this variant may disrupt protein function (PMID: 34554397, 17015493). Computational prediction algorithms indicate this variant is likely to affect gene or protein function. Given the available evidence, this variant is classified as Likely Pathogenic.

Fulgent Genetics
Classification: Pathogenic for Sandhoff disease. Last evaluated: 2024-04-04. Review status: criteria provided, single submitter. Criteria: ACMG Guidelines, 2015. Collection method: clinical testing. Allele origin: germline.

Women's Health and Genetics/Laboratory Corporation of America, LabCorp
Classification: Pathogenic for Sandhoff disease. Last evaluated: 2024-04-02. Review status: criteria provided, single submitter. Criteria: LabCorp Variant Classification Summary - May 2015. Collection method: clinical testing. Allele origin: germline.
Comment: Variant summary: HEXB c.410G>A (p.Cys137Tyr) results in a non-conservative amino acid change located in the Beta-hexosaminidase, eukaryotic type, N-terminal domain (IPR029019) of the encoded protein sequence. Five of five in-silico tools predict a damaging effect of the variant on protein function. The variant allele was found at a frequency of 2e-05 in 251400 control chromosomes. c.410G>A has been reported in the literature as a homozygous or comound heterozygous genotype in individuals affected with Infantile/Juvenile onset Sandhoff Disease (examle, Maegawa_2006, Aryan_2012, Abtahi_2022). These data indicate that the variant is likely to be associated with disease. At least one publication reports experimental evidence evaluating an impact on protein function. The most pronounced variant effect results in 1.3% of normal HEX A activity in a cell line with homozygous genotype (Maegawa_2006). Other studies have reported low residual activities of HEX A, HEXB and HEXA + B as expected for the Sandhoff phenotype (Aryan_2012). The following publications have been ascertained in the context of this evaluation (PMID: 34554397, 23113155, 17237499). ClinVar contains an entry for this variant (Variation ID: 643231). Based on the evidence outlined above, the variant was classified as pathogenic.

Labcorp Genetics (formerly Invitae), Labcorp
Classification: Pathogenic for Sandhoff disease. Last evaluated: 2024-02-09. Review status: criteria provided, single submitter. Criteria: Invitae Variant Classification Sherloc (09022015). Collection method: clinical testing. Allele origin: germline.
Comment: This sequence change replaces cysteine, which is neutral and slightly polar, with tyrosine, which is neutral and polar, at codon 137 of the HEXB protein (p.Cys137Tyr). This variant is present in population databases (rs779453450, gnomAD 0.02%). This missense change has been observed in individual(s) with Sandhoff disease (PMID: 1723749, 23113155; Invitae). In at least one individual the data is consistent with being in trans (on the opposite chromosome) from a pathogenic variant. ClinVar contains an entry for this variant (Variation ID: 643231). Advanced modeling of protein sequence and biophysical properties (such as structural, functional, and spatial information, amino acid conservation, physicochemical variation, residue mobility, and thermodynamic stability) performed at Invitae indicates that this missense variant is expected to disrupt HEXB protein function with a positive predictive value of 95%. For these reasons, this variant has been classified as Pathogenic.

Department of Pathology and Laboratory Medicine, Sinai Health System
Classification: Uncertain significance for Sandhoff disease. Last evaluated: 2023-02-06. Review status: criteria provided, single submitter. Criteria: ACMG Guidelines, 2015. Collection method: research. Allele origin: germline.

Literature cited by the submitters: PubMed 17015493 (cited by Myriad Genetics, Inc. and Natera, Inc.); PubMed 23113155 (cited by 4 submitters); PubMed 34554397 (cited by 3 submitters); PubMed 17237499 (cited by Women's Health and Genetics/Laboratory Corporation of America, LabCorp); PubMed 1723749 (cited by Labcorp Genetics (formerly Invitae), Labcorp).